The following is an entry in ClinVar:

ClinVar aggregate classification (germline): Uncertain significance (1 of 4 stars; one submission).

Conditions:
Combined immunodeficiency with skin granulomas. Identifiers: Orphanet 157949, MedGen C2673536, MONDO:0009306, OMIM 233650.
Severe combined immunodeficiency, autosomal recessive, T cell-negative, B cell-negative, NK cell-positive. Also called: SCID, T CELL-NEGATIVE, B CELL-NEGATIVE, NK CELL-POSITIVE; SCID, AR, T-cell negative, B-cell negative, NK cell-positive; Severe combined immunodeficiency due to complete RAG1/2 deficiency. Identifiers: Orphanet 331206, MedGen C1832322, MONDO:0011086, OMIM 601457.

Submission:

Labcorp Genetics (formerly Invitae), Labcorp
Classification: Uncertain significance for Combined immunodeficiency with skin granulomas; Severe combined immunodeficiency, autosomal recessive, T cell-negative, B cell-negative, NK cell-positive. Last evaluated: 2022-06-22. Review status: criteria provided, single submitter. Criteria: Invitae Variant Classification Sherloc (09022015). Collection method: clinical testing. Allele origin: germline.
Comment: This sequence change replaces histidine, which is basic and polar, with arginine, which is basic and polar, at codon 166 of the RAG2 protein (p.His166Arg). This variant is not present in population databases (gnomAD no frequency). This variant has not been reported in the literature in individuals affected with RAG2-related conditions. ClinVar contains an entry for this variant (Variation ID: 971996). Advanced modeling of protein sequence and biophysical properties (such as structural, functional, and spatial information, amino acid conservation, physicochemical variation, residue mobility, and thermodynamic stability) performed at Invitae indicates that this missense variant is not expected to disrupt RAG2 protein function. In summary, the available evidence is currently insufficient to determine the role of this variant in disease. Therefore, it has been classified as a Variant of Uncertain Significance.

NM_000536.4(RAG2):c.497A>G (p.His166Arg)

Gene: RAG2 (recombination activating 2; minus strand). Cytogenetic location: 11p12.
Variant type: single nucleotide variant.
Coding change: c.497A>G on transcript NM_000536.4 (MANE Select); coding-DNA position 497, A replaced by G.
Protein change: p.His166Arg; replaces histidine 166 with arginine.
Molecular consequence: missense variant.
Genome position (GRCh38, 1-based): chr11:36,593,672, T>C on the plus strand (A>G on the coding strand, the complement: RAG2 is on the minus strand). VCF-style: chr11-36593672-T-C. GRCh37 (hg19) VCF-style: chr11-36615222-T-C.
Other names: c.497A>G, p.His166Arg (NM_001243785.2, NM_001243786.2); short protein forms H166R.
Identifiers: ClinVar variation 971996 (VCV000971996.9), dbSNP rs1851085524, ClinGen allele CA380142813.
Genomic context (GRCh38, chr11:36,593,672, plus strand): 5'-TCCACCAGGAAAACACAGGGCAGGCAGTCAGCTACACTATTCCATTTTTCTGTGGTTCTG[T>C]GGGTAGAAGGCATGTATGAGCGTCCTCCAAAGAGAACACCCATACTTTTCCCTCGGCTGT-3'
Protein context (NP_000527.2, residues 156-176): FGGRSYMPST[His166Arg]RTTEKWNSVA